The following is an entry in ClinVar:

NM_003119.4(SPG7):c.1079A>G (p.Lys360Arg)

Gene: SPG7 (SPG7 matrix AAA peptidase subunit, paraplegin; plus strand). Cytogenetic location: 16q24.3.
Variant type: single nucleotide variant.
Coding change: c.1079A>G on transcript NM_003119.4 (MANE Select); coding-DNA position 1079, A replaced by G.
Protein change: p.Lys360Arg; replaces lysine 360 with arginine.
Molecular consequence: missense variant.
Genome position (GRCh38, 1-based): chr16:89,531,995, A>G. VCF-style: chr16-89531995-A-G. GRCh37 (hg19) VCF-style: chr16-89598403-A-G.
Other names: c.1079A>G, p.Lys360Arg (NM_001363850.1, NM_199367.3); short protein forms K360R.
Identifiers: ClinVar variation 1039715 (VCV001039715.8), dbSNP rs376803235, ClinGen allele CA8243933.

ClinVar aggregate classification (germline): Uncertain significance (1 of 4 stars; one submission).

Conditions:
Hereditary spastic paraplegia 7 (SPG7). Also called: SPASTIC PARAPLEGIA 7, AUTOSOMAL RECESSIVE, WITH OR WITHOUT CEREBELLAR ATAXIA; Spastic paraplegia 7; Hereditary spastic paraplegia Paraplegin type; Autosomal recessive spastic paraplegia type 7; SPG7-related neurologic disorder. Identifiers: Orphanet 99013, MedGen C1846564, MONDO:0011803, OMIM 607259.

Allele frequency attached by ClinVar (database versions not stated): TOPMed below 0.00001; gnomAD 0.00001; ExAC 0.00002; gnomAD exomes 0.00002; ESP Exome Variant Server 0.00008.
gnomAD v4.1: 10 of 1,613,870 alleles (0.00062%); highest among the groups gnomAD compares: Non-Finnish European, 0.00085%; no homozygotes.

Submission:

Labcorp Genetics (formerly Invitae), Labcorp
Classification: Uncertain significance for Hereditary spastic paraplegia 7. Last evaluated: 2024-08-04. Review status: criteria provided, single submitter. Criteria: Invitae Variant Classification Sherloc (09022015). Collection method: clinical testing. Allele origin: germline.
Comment: This sequence change replaces lysine, which is basic and polar, with arginine, which is basic and polar, at codon 360 of the SPG7 protein (p.Lys360Arg). This variant is present in population databases (rs376803235, gnomAD 0.005%). This variant has not been reported in the literature in individuals affected with SPG7-related conditions. ClinVar contains an entry for this variant (Variation ID: 1039715). Advanced modeling of protein sequence and biophysical properties (such as structural, functional, and spatial information, amino acid conservation, physicochemical variation, residue mobility, and thermodynamic stability) performed at Invitae indicates that this missense variant is not expected to disrupt SPG7 protein function with a negative predictive value of 80%. In summary, the available evidence is currently insufficient to determine the role of this variant in disease. Therefore, it has been classified as a Variant of Uncertain Significance.